The following is an entry in ClinVar:

ClinVar aggregate classification (germline): Uncertain significance. Review status: criteria provided, multiple submitters, no conflicts (2 of 4 stars). 2 submissions from 2 submitters: Uncertain significance (2). Last evaluated 2023-05-25.

Allele frequency attached by ClinVar (database versions not stated): TOPMed below 0.00001.

Submissions (2):

Blueprint Genetics
Classification: Uncertain significance. Last evaluated: 2023-05-25. Review status: criteria provided, single submitter. Criteria: ACMG Guidelines, 2015. Collection method: clinical testing. Allele origin: germline.

Labcorp Genetics (formerly Invitae), Labcorp
Classification: Uncertain significance. Last evaluated: 2021-05-18. Review status: criteria provided, single submitter. Criteria: Invitae Variant Classification Sherloc (09022015). Collection method: clinical testing. Allele origin: germline.
Comment: This sequence change replaces methionine with valine at codon 123 of the CYFIP2 protein (p.Met123Val). The methionine residue is moderately conserved and there is a small physicochemical difference between methionine and valine. This variant is not present in population databases (ExAC no frequency). This variant has not been reported in the literature in individuals with CYFIP2-related conditions. Algorithms developed to predict the effect of missense changes on protein structure and function are either unavailable or do not agree on the potential impact of this missense change (SIFT: "Tolerated"; PolyPhen-2: "Not Available"; Align-GVGD: "Class C0"). In summary, the available evidence is currently insufficient to determine the role of this variant in disease. Therefore, it has been classified as a Variant of Uncertain Significance.

NM_001037333.3(CYFIP2):c.367A>G (p.Met123Val)

Gene: CYFIP2 (cytoplasmic FMR1 interacting protein 2; plus strand). Cytogenetic location: 5q33.3.
Variant type: single nucleotide variant.
Coding change: c.367A>G on transcript NM_001037333.3 (MANE Select); coding-DNA position 367, A replaced by G.
Protein change: p.Met123Val; replaces methionine 123 with valine.
Molecular consequence: missense variant.
Genome position (GRCh38, 1-based): chr5:157,296,754, A>G. VCF-style: chr5-157296754-A-G. GRCh37 (hg19) VCF-style: chr5-156723762-A-G.
Other names: c.289A>G, p.Met97Val (NM_001291721.2); c.367A>G, p.Met123Val (NM_001291722.2, NM_014376.4); short protein forms M123V, M97V.
Identifiers: ClinVar variation 1491920 (VCV001491920.9), dbSNP rs1758286956, ClinGen allele CA361966033.